The following is an entry in ClinVar:

ClinVar aggregate classification (germline): Uncertain significance (1 of 4 stars; one submission).

Conditions:
KMT2D-related disorder. Also called: KMT2D-Related Disorders.

Allele frequency attached by ClinVar (database versions not stated): gnomAD exomes below 0.00001.
gnomAD v4.1: 1 of 1,593,284 alleles (0.000063%); highest among the groups gnomAD compares: Non-Finnish European, 0.000086%; no homozygotes.

Submission:

PreventionGenetics, part of Exact Sciences
Classification: Uncertain significance for KMT2D-related condition. Last evaluated: 2023-10-05. Review status: criteria provided, single submitter. Criteria: ACMG Guidelines, 2015. Collection method: clinical testing. Allele origin: germline.
Comment: The KMT2D c.15754G>A variant is predicted to result in the amino acid substitution p.Asp5252Asn. To our knowledge, this variant has not been reported in the literature or in a large population database, indicating this variant is rare. At this time, the clinical significance of this variant is uncertain due to the absence of conclusive functional and genetic evidence.

NM_003482.4(KMT2D):c.15754G>A (p.Asp5252Asn)

Gene: KMT2D (lysine methyltransferase 2D; minus strand). Cytogenetic location: 12q13.12.
Variant type: single nucleotide variant.
Coding change: c.15754G>A on transcript NM_003482.4 (MANE Select); coding-DNA position 15754, G replaced by A.
Protein change: p.Asp5252Asn; replaces aspartic acid 5252 with asparagine.
Molecular consequence: missense variant.
Genome position (GRCh38, 1-based): chr12:49,026,212, C>T on the plus strand (G>A on the coding strand, the complement: KMT2D is on the minus strand). VCF-style: chr12-49026212-C-T. GRCh37 (hg19) VCF-style: chr12-49419995-C-T.
Other names: short protein forms D5252N.
Identifiers: ClinVar variation 2630857 (VCV002630857.1), dbSNP rs2137714765, ClinGen allele CA384685029.
Genomic context (GRCh38, chr12:49,026,212, plus strand): 5'-TATTATCCATTTCAAGGGCCCACTGCTCACCCTGGGGAGAGGCGTCAGTGAAGACCAGGT[C>T]CTCCAGGCCCTGCTCGATGACTTTGATTACAAACTCCGGCCGCCCGTTGTTCTCACCAAT-3'
Protein context (NP_003473.3, residues 5242-5262): VIKVIEQGLE[Asp5252Asn]LVFTDASPQA